The following is an entry in ClinVar:

ClinVar aggregate classification (germline): Uncertain significance (1 of 4 stars; one submission).

gnomAD v4.1: 9 of 1,614,102 alleles (0.00056%); highest among the groups gnomAD compares: South Asian, 0.0022%; no homozygotes.

Submission:

Labcorp Genetics (formerly Invitae), Labcorp
Classification: Uncertain significance. Last evaluated: 2024-02-16. Review status: criteria provided, single submitter. Criteria: Invitae Variant Classification Sherloc (09022015). Collection method: clinical testing. Allele origin: germline.
Comment: This sequence change replaces serine, which is neutral and polar, with glycine, which is neutral and non-polar, at codon 10 of the LAMB1 protein (p.Ser10Gly). This variant is present in population databases (rs758050555, gnomAD 0.003%). This variant has not been reported in the literature in individuals affected with LAMB1-related conditions. Algorithms developed to predict the effect of missense changes on protein structure and function output the following: SIFT: "Not Available"; PolyPhen-2: "Benign"; Align-GVGD: "Not Available". The glycine amino acid residue is found in multiple mammalian species, which suggests that this missense change does not adversely affect protein function. In summary, the available evidence is currently insufficient to determine the role of this variant in disease. Therefore, it has been classified as a Variant of Uncertain Significance.

NM_002291.3(LAMB1):c.28A>G (p.Ser10Gly)

Gene: LAMB1 (laminin subunit beta 1; minus strand). Cytogenetic location: 7q31.1.
Variant type: single nucleotide variant.
Coding change: c.28A>G on transcript NM_002291.3 (MANE Select); coding-DNA position 28, A replaced by G.
Protein change: p.Ser10Gly; replaces serine 10 with glycine.
Molecular consequence: missense variant.
Genome position (GRCh38, 1-based): chr7:108,002,858, T>C on the plus strand (A>G on the coding strand, the complement: LAMB1 is on the minus strand). VCF-style: chr7-108002858-T-C. GRCh37 (hg19) VCF-style: chr7-107643303-T-C.
Other names: short protein forms S10G.
Identifiers: ClinVar variation 3632762 (VCV003632762.2).